The following is an entry in ClinVar:

NM_172107.4(KCNQ2):c.144dup (p.Lys49fs)

Gene: KCNQ2 (potassium voltage-gated channel subfamily Q member 2; minus strand). Cytogenetic location: 20q13.33.
Variant type: Duplication.
Coding change: c.144dup on transcript NM_172107.4 (MANE Select); coding-DNA position 144, one base duplicated (C; older notation c.144dupC).
Protein change: p.Lys49fs; shifts the reading frame from lysine 49.
Molecular consequence: frameshift variant.
Genome position (GRCh38, 1-based): chr20:63,472,320, G duplicated on the plus strand (C on the coding strand, the reverse complement: KCNQ2 is on the minus strand); the first of 5 consecutive G bases (chr20:63,472,320-63,472,324); duplicating any one gives the same sequence. VCF-style (leftmost placement, unchanged base first): chr20-63472319-T-TG. GRCh37 (hg19) VCF-style: chr20-62103672-T-TG.
Other names: c.144dup, p.Lys49fs (NM_001382235.1, NM_004518.6, NM_172106.3 and 2 more transcripts); short protein forms K49fs.
Identifiers: ClinVar variation 984926 (VCV000984926.10), dbSNP rs1555881809, ClinGen allele CA1139666787.
Genomic context (GRCh38, chr20:63,472,319, plus strand): 5'-TGGGGGGCTTCCCGGCGCCCGCGCCGCCCGCGCGAGGTTTGCTGAGGATGCTGCCGCGCT[T>TG]GGGGGCCTCGGAGCCGGCGATCAGCAGCGCCCCGTCCCGGGTGGAGTCGGGCGCGCCGGG-3'

ClinVar aggregate classification (germline): Pathogenic/Likely pathogenic. Review status: criteria provided, multiple submitters, no conflicts (2 of 4 stars). 2 submissions from 2 submitters: Pathogenic (1); Likely pathogenic (1). Last evaluated 2022-05-07.

Conditions:
Early-infantile DEE. Also called: Early infantile epileptic encephalopathy; Ohtahara syndrome; Early infantile epileptic encephalopathy with suppression bursts. Identifiers: Orphanet 1934, MedGen C0393706, MONDO:0800491.
KCNQ2-Related Disorders. Also called: KCNQ2-related disorder; KCNQ2-related condition. Identifiers: MedGen CN169299.

Submissions (2):

Labcorp Genetics (formerly Invitae), Labcorp
Classification: Pathogenic for Early-infantile DEE. Last evaluated: 2022-05-07. Review status: criteria provided, single submitter. Criteria: Invitae Variant Classification Sherloc (09022015). Collection method: clinical testing. Allele origin: germline.
Comment: This variant has not been reported in the literature in individuals affected with KCNQ2-related conditions. ClinVar contains an entry for this variant (Variation ID: 984926). For these reasons, this variant has been classified as Pathogenic. This variant is not present in population databases (gnomAD no frequency). This sequence change creates a premature translational stop signal (p.Lys49Glnfs*71) in the KCNQ2 gene. It is expected to result in an absent or disrupted protein product. Loss-of-function variants in KCNQ2 are known to be pathogenic (PMID: 14534157, 23692823, 27779742).

Rady Children's Institute for Genomic Medicine, Rady Children's Hospital San Diego
Classification: Likely pathogenic for KCNQ2-Related Disorders. Review status: criteria provided, single submitter. Criteria: ACMG Guidelines, 2015. Collection method: clinical testing. Allele origin: germline. Affected: yes.
Comment: This frameshifting variant in exon 1 of 17 introduces a premature stop codon and is therefore predicted to result in loss of normal protein function through either protein truncation or nonsense-mediated mRNA decay (NMD). This variant has not been previously reported or functionally characterized in the literature to our knowledge. It is absent from the ExAC and gnomAD population databases and thus is presumed to be rare. Analysis of the parental samples was negative for the variant, indicating this variant likely occurred as a de novo event. Based on the available evidence, the c.144dup (p.Lys49GlnfsTer71) variant is classified as Pathogenic.

Literature cited by the submitters: PubMed 14534157 (cited by Labcorp Genetics (formerly Invitae), Labcorp); PubMed 23692823 (cited by Labcorp Genetics (formerly Invitae), Labcorp); PubMed 27779742 (cited by Labcorp Genetics (formerly Invitae), Labcorp).